The following is an entry in ClinVar:

ClinVar aggregate classification (germline): Uncertain significance. Review status: criteria provided, multiple submitters, no conflicts (2 of 4 stars). 2 submissions from 2 submitters: Uncertain significance (2). Last evaluated 2025-01-07.

Conditions:
Chromosome 2q32-q33 deletion syndrome (GLASS). Also called: Glass syndrome; 2q33.1 deletion syndrome. Identifiers: Orphanet 251019, MedGen C2676739, MONDO:0012864, OMIM 612313.

Allele frequency attached by ClinVar (database versions not stated): ExAC 0.00002; gnomAD 0.00001; gnomAD exomes 0.00001.

Submissions (2):

Dasa
Classification: Uncertain significance. Last evaluated: 2025-01-07. Review status: criteria provided, single submitter. Criteria: DASA Assertion Criteria. Collection method: clinical testing. Allele origin: germline.
Comment: NM_001172509.2(SATB2):c.1291C>T (p.Arg431Cys) is a missense variant that results in the substitution of arginine with cysteine. This variant is rare in population databases. The currently available literature and clinical evidence are not sufficient to establish a definitive association between this variant and the reported condition. Therefore, this variant is classified as a variant of uncertain significance.

Labcorp Genetics (formerly Invitae), Labcorp
Classification: Uncertain significance for Chromosome 2q32-q33 deletion syndrome. Last evaluated: 2022-11-28. Review status: criteria provided, single submitter. Criteria: Invitae Variant Classification Sherloc (09022015). Collection method: clinical testing. Allele origin: germline.
Comment: This variant is present in population databases (rs769604856, gnomAD 0.006%). This sequence change replaces arginine, which is basic and polar, with cysteine, which is neutral and slightly polar, at codon 431 of the SATB2 protein (p.Arg431Cys). This variant has not been reported in the literature in individuals affected with SATB2-related conditions. Advanced modeling of protein sequence and biophysical properties (such as structural, functional, and spatial information, amino acid conservation, physicochemical variation, residue mobility, and thermodynamic stability) performed at Invitae indicates that this missense variant is not expected to disrupt SATB2 protein function. In summary, the available evidence is currently insufficient to determine the role of this variant in disease. Therefore, it has been classified as a Variant of Uncertain Significance.

NM_001172509.2(SATB2):c.1291C>T (p.Arg431Cys)

Gene: SATB2 (SATB homeobox 2; minus strand). Cytogenetic location: 2q33.1.
Variant type: single nucleotide variant.
Coding change: c.1291C>T on transcript NM_001172509.2 (MANE Select); coding-DNA position 1291, C replaced by T.
Protein change: p.Arg431Cys; replaces arginine 431 with cysteine.
Molecular consequence: missense variant.
Genome position (GRCh38, 1-based): chr2:199,328,793, G>A on the plus strand (C>T on the coding strand, the complement: SATB2 is on the minus strand). VCF-style: chr2-199328793-G-A. GRCh37 (hg19) VCF-style: chr2-200193516-G-A.
Other names: c.1291C>T, p.Arg431Cys (NM_001172517.1, NM_015265.4); short protein forms R431C.
Identifiers: ClinVar variation 2777114 (VCV002777114.5), dbSNP rs769604856, ClinGen allele CA2045920.
Genomic context (GRCh38, chr2:199,328,793, plus strand): 5'-CCGAGGAGACCATGCTCACATTGGGATTCATGCTCCGCTCCCTCTCATCCTGGTAGATGC[G>A]ATCTCGCTCCACTTCTGGCAGATTGAGGAAATTCTGCATGGCCCTCAGGTTTACTAGAAG-3'
Protein context (NP_001165980.1, residues 421-441): FLNLPEVERD[Arg431Cys]IYQDERERSM